The following is an entry in ClinVar:

NM_138295.5(PKD1L1):c.4029C>A (p.Asn1343Lys)

Gene: PKD1L1 (polycystin 1 like 1, transient receptor potential channel interacting; minus strand). Cytogenetic location: 7p12.3.
Variant type: single nucleotide variant.
Coding change: c.4029C>A on transcript NM_138295.5 (MANE Select); coding-DNA position 4029, C replaced by A.
Protein change: p.Asn1343Lys; replaces asparagine 1343 with lysine.
Molecular consequence: missense variant.
Genome position (GRCh38, 1-based): chr7:47,866,482, G>T on the plus strand (C>A on the coding strand, the complement: PKD1L1 is on the minus strand). VCF-style: chr7-47866482-G-T. GRCh37 (hg19) VCF-style: chr7-47906080-G-T.
Other names: short protein forms N1343K.
Identifiers: ClinVar variation 4998157 (VCV004998157.1).

ClinVar aggregate classification (germline): Uncertain significance (1 of 4 stars; one submission).

Conditions:
PKD1L1-related disorder. Also called: PKD1L1-related condition.

Submission:

PreventionGenetics, part of Exact Sciences
Classification: Uncertain significance for PKD1L1-related condition. Last evaluated: 2025-07-09. Review status: criteria provided, single submitter. Criteria: ACMG Guidelines, 2015. Collection method: clinical testing. Allele origin: germline.
Comment: The PKD1L1 c.4029C>A variant is predicted to result in the amino acid substitution p.Asn1343Lys. To our knowledge, this variant has not been reported in the literature or in a large population database (gnomAD), indicating this variant is rare. At this time, the clinical significance of this variant is uncertain due to the absence of conclusive functional and genetic evidence.